The following is an entry in ClinVar:

NM_007078.3(LDB3):c.2174T>A (p.Ile725Asn)

Gene: LDB3 (LIM domain binding 3; plus strand). Cytogenetic location: 10q23.2.
Variant type: single nucleotide variant.
Coding change: c.2174T>A on transcript NM_007078.3 (MANE Select); coding-DNA position 2174, T replaced by A.
Protein change: p.Ile725Asn; replaces isoleucine 725 with asparagine.
Molecular consequence: missense variant.
Genome position (GRCh38, 1-based): chr10:86,732,966, T>A. VCF-style: chr10-86732966-T-A. GRCh37 (hg19) VCF-style: chr10-88492723-T-A.
Other names: c.1844T>A, p.Ile615Asn (NM_001080114.2); c.2189T>A, p.Ile730Asn (NM_001171610.2); c.1985T>A, p.Ile662Asn (NM_001368064.1, NM_001368065.1); c.2033T>A, p.Ile678Asn (NM_001368066.1); short protein forms I725N, I730N, I662N, I615N, I678N.
Identifiers: ClinVar variation 532921 (VCV000532921.23), dbSNP rs748399477, ClinGen allele CA5585375.

ClinVar aggregate classification (germline): Conflicting classifications of pathogenicity. Review status: criteria provided, conflicting classifications (1 of 4 stars). 8 submissions from 8 submitters: Uncertain significance (7); Likely benign (1). Last evaluated 2026-01-18.

Conditions:
Cardiovascular phenotype. Identifiers: MedGen CN230736.
Cardiomyopathy (CMYO). Also called: Cardiomyopathies. Identifiers: Orphanet 167848, MedGen C0878544, MONDO:0004994, HP:0001638. Inheritance: Various modes of inheritance.
Myofibrillar myopathy 4. Also called: Zaspopathy (type). Identifiers: Orphanet 98912, MedGen C4721886, MONDO:0012277, OMIM 609452.
Dilated cardiomyopathy 1C (CMD1C). Also called: CARDIOMYOPATHY, DILATED, 1C, WITH OR WITHOUT LEFT VENTRICULAR NONCOMPACTION; Cardiomyopathy, dilated, 1C, with or without LVNC. Identifiers: Orphanet 154, Orphanet 54260, MedGen C1832244, MONDO:0011094, OMIM 601493.

Allele frequency attached by ClinVar (database versions not stated): gnomAD 0.00004; TOPMed 0.00003.
gnomAD v4.1: 59 of 1,613,310 alleles (0.0037%); highest among the groups gnomAD compares: Non-Finnish European, 0.0046%; no homozygotes.

Submissions (8):

Labcorp Genetics (formerly Invitae), Labcorp
Classification: Uncertain significance for Myofibrillar myopathy 4. Last evaluated: 2026-01-18. Review status: criteria provided, single submitter. Criteria: Invitae Variant Classification Sherloc (09022015). Collection method: clinical testing. Allele origin: germline.
Comment: The LDB3 gene has multiple clinically relevant transcripts. This variant occurs in alternate transcript NM_007078.3, and corresponds to NM_001080116.1:c.*33592T>A in the primary transcript. This sequence change replaces isoleucine, which is neutral and non-polar, with asparagine, which is neutral and polar, at codon 725 of the LDB3 protein (p.Ile725Asn). This variant is present in population databases (rs748399477, gnomAD 0.006%). This missense change has been observed in individual(s) with left ventricular noncompaction, dilated cardiomyopathy, or limb-girdle muscular dystrophy (PMID: 25214167, 28798025, 32880476). This variant is also known as p.I615N. ClinVar contains an entry for this variant (Variation ID: 532921). Experimental studies and prediction algorithms are not available or were not evaluated, and the functional significance of this variant is currently unknown. In summary, the available evidence is currently insufficient to determine the role of this variant in disease. Therefore, it has been classified as a Variant of Uncertain Significance.

Laboratory of Genetics, Children's Clinical University Hospital Latvia
Classification: Likely benign. Last evaluated: 2025-02-16. Review status: criteria provided, single submitter. Criteria: ACMG Guidelines, 2015. Collection method: clinical testing. Allele origin: germline. Affected: yes.

Ambry Genetics
Classification: Uncertain significance for Cardiovascular phenotype. Last evaluated: 2025-01-31. Review status: criteria provided, single submitter. Criteria: Ambry Variant Classification Scheme 2023. Collection method: clinical testing. Allele origin: germline.
Comment: The p.I725N variant (also known as c.2174T>A), located in coding exon 13 of the LDB3 gene, results from a T to A substitution at nucleotide position 2174. The isoleucine at codon 725 is replaced by asparagine, an amino acid with dissimilar properties. This alteration has been reported in a myopathy cohort, as well as a left ventricular non-compaction (LVNC) cohort; however, clinical details were limited in both cases (Savarese M et al. Acta Neuropathol Commun, 2014 Sep;2:100; Miszalski-Jamka K et al. Circ Cardiovasc Genet, 2017 Aug;10:; Mazzarotto F et al. Genet Med, 2021 May;23:856-864). This variant has also been reported in dilated cardiomyopathy (DCM) and sudden death cohorts (Verdonschot JAJ et al. Circ Genom Precis Med, 2020 Oct;13:476-487; Neubauer J et al. Forensic Sci Int, 2022 May;334:111240). This amino acid position is well conserved in available vertebrate species. In addition, the in silico prediction for this alteration is inconclusive. Since supporting evidence is limited at this time, the clinical significance of this alteration remains unclear.

Blueprint Genetics
Classification: Uncertain significance. Last evaluated: 2024-11-20. Review status: criteria provided, single submitter. Criteria: ACMG Guidelines, 2015. Collection method: clinical testing. Allele origin: germline.

GeneDx
Classification: Uncertain significance. Last evaluated: 2024-07-08. Review status: criteria provided, single submitter. Criteria: GeneDx Variant Classification Process June 2021. Collection method: clinical testing. Allele origin: germline. Affected: yes.
Comment: Reported in association with limb-girdle muscular dystrophy (LGMD) (PMID: 25214167); In silico analysis supports that this missense variant has a deleterious effect on protein structure/function; This variant is associated with the following publications: (PMID: 32880476, 28798025, 25214167)

Regional Center For Medical Genetics Timis, Louis Turcanu Emergency Hospital for Children Timisoara
Classification: Uncertain significance for Dilated cardiomyopathy 1C. Last evaluated: 2024-05-24. Review status: criteria provided, single submitter. Criteria: ACMG Guidelines, 2015. Collection method: research. Allele origin: germline. Affected: yes.
Comment: The variant is reported in heathy population databases with very low frequency (gnomAD v4.1.0, f = 0.00003657). In silico predictions for this missense variant are uncertain. The substituted amino acid is conserved among species. The variant is reported in the literature in cases with dilated cardiomyopathy, LVNC and limb-girdle muscular dystrophy. The variant is reported in ClinVar as uncertain (Variation ID: 532921). Therefore, the variant was classified as uncertain, according to ACMG 2015 guidelines.

CHEO Genetics Diagnostic Laboratory, Children's Hospital of Eastern Ontario
Classification: Uncertain significance for Cardiomyopathy. Last evaluated: 2021-04-09. Review status: criteria provided, single submitter. Criteria: ACMG Guidelines, 2015. Collection method: clinical testing. Allele origin: germline.

Centre for Mendelian Genomics, University Medical Centre Ljubljana
Classification: Uncertain significance for Dilated cardiomyopathy 1C. Last evaluated: 2019-06-21. Review status: criteria provided, single submitter. Criteria: ACMG Guidelines, 2015. Collection method: clinical testing. Allele origin: unknown. Affected: yes.
Comment: This variant was classified as: Uncertain significance. The available evidence on this variant's pathogenicity is insufficient or conflicting. The following ACMG criteria were applied in classifying this variant: PP3,PP5.

Literature cited by the submitters: PubMed 25214167 (cited by Labcorp Genetics (formerly Invitae), Labcorp and Ambry Genetics); PubMed 28798025 (cited by Labcorp Genetics (formerly Invitae), Labcorp and Ambry Genetics); PubMed 32880476 (cited by Labcorp Genetics (formerly Invitae), Labcorp and Ambry Genetics); PubMed 33500567 (cited by Ambry Genetics); PubMed 35276540 (cited by Ambry Genetics).